The following is an entry in ClinVar:

NM_001267550.2(TTN):c.66054G>T (p.Glu22018Asp)

Genes: TTN-AS1 (TTN antisense RNA 1; plus strand), TTN (titin; minus strand). Cytogenetic location: 2q31.2.
Variant type: single nucleotide variant.
Coding change: c.66054G>T on transcript NM_001267550.2 (MANE Select); coding-DNA position 66054, G replaced by T.
Protein change: p.Glu22018Asp; replaces glutamic acid 22018 with aspartic acid.
Molecular consequence: missense variant.
Genome position (GRCh38, 1-based): chr2:178,582,402, C>A on the plus strand (G>T on the coding strand, the complement: TTN is on the minus strand). VCF-style: chr2-178582402-C-A. GRCh37 (hg19) VCF-style: chr2-179447129-C-A.
Other names: c.61131G>T, p.Glu20377Asp (NM_001256850.1); c.38859G>T, p.Glu12953Asp (NM_003319.4); c.58350G>T, p.Glu19450Asp (NM_133378.4); c.39234G>T, p.Glu13078Asp (NM_133432.3); c.39435G>T, p.Glu13145Asp (NM_133437.4); short protein forms E20377D, E22018D, E19450D, E13145D, E12953D, E13078D.
Identifiers: ClinVar variation 4987155 (VCV004987155.1).

ClinVar aggregate classification (germline): Uncertain significance (1 of 4 stars; one submission).

Conditions:
TTN-related disorder. Also called: TTN-related disorders; TTN-related condition; TTN-related disease.

gnomAD v4.1: 40 of 1,612,730 alleles (0.0025%); highest among the groups gnomAD compares: Non-Finnish European, 0.0033%; no homozygotes.

Submission:

PreventionGenetics, part of Exact Sciences
Classification: Uncertain significance for TTN-related condition. Last evaluated: 2025-10-29. Review status: criteria provided, single submitter. Criteria: ACMG Guidelines, 2015. Collection method: clinical testing. Allele origin: germline.
Comment: The TTN c.66054G>T variant is predicted to result in the amino acid substitution p.Glu22018Asp. To our knowledge, this variant has not been reported in the literature. This variant is reported in 0.0027% of alleles in individuals of European (Non-Finnish) descent in gnomAD. At this time, the clinical significance of this variant is uncertain due to the absence of conclusive functional and genetic evidence.